The following is an entry in ClinVar:

ClinVar aggregate classification (germline): Conflicting classifications of pathogenicity. Review status: criteria provided, conflicting classifications (1 of 4 stars). 30 submissions from 29 submitters: Uncertain significance (2); Benign (5); Likely benign (15). 8 of the submissions do not count toward it. Last evaluated 2026-07-01.

Conditions:
BRIP1-related disorder. Also called: BRIP1-related condition; BRIP1-related disorders. Identifiers: MedGen CN239206.
Breast and/or ovarian cancer. Identifiers: MedGen CN221562.
Ovarian cancer. Also called: OVARIAN CANCER, SOMATIC. Identifiers: Orphanet 213500, MedGen C1140680, MONDO:0008170, OMIM 167000.
Hereditary cancer-predisposing syndrome. Also called: Neoplastic Syndromes, Hereditary; Hereditary Cancer Syndrome; Tumor predisposition; Hereditary neoplastic syndrome. Identifiers: Orphanet 140162, MedGen C0027672, MeSH D009386, MONDO:0015356.
Familial cancer of breast. Also called: hereditary breast carcinoma; BREAST CANCER, FAMILIAL; Hereditary breast cancer. Identifiers: Orphanet 227535, MedGen C0346153, MONDO:0016419, OMIM 114480. Disease mechanism: loss of function.
Fanconi anemia complementation group J. Also called: BRIP1-Related Fanconi Anemia. Identifiers: Orphanet 84, MedGen C1836860, MONDO:0012187, OMIM 609054.
Malignant tumor of breast. Also called: Malignant breast neoplasm; Cancer breast. Identifiers: MedGen C0006142, MONDO:0007254. Disease mechanism: loss of function.

Allele frequency attached by ClinVar (database versions not stated): 1000 Genomes Project 30x 0.00031; 1000 Genomes Project 0.00040; gnomAD exomes 0.00106; ExAC 0.00110; gnomAD 0.00110 and 0.00113; TOPMed 0.00116; ESP Exome Variant Server 0.00131.
gnomAD v4.1: 2,493 of 1,613,820 alleles (0.15%); highest among the groups gnomAD compares: Non-Finnish European, 0.19%; 3 homozygotes.

Submissions 1 to 25 of 30:

CeGaT Center for Human Genetics Tuebingen
Classification: Likely benign. Last evaluated: 2026-07-01. Review status: criteria provided, single submitter. Criteria: CeGaT Center For Human Genetics Tuebingen Variant Classification Criteria Version 2. Collection method: clinical testing. Allele origin: germline. Affected: yes. Observed: 2 variant alleles.
Comment: BRIP1: BP4, BS1

Labcorp Genetics (formerly Invitae), Labcorp
Classification: Benign for Familial cancer of breast; Fanconi anemia complementation group J. Last evaluated: 2026-02-04. Review status: criteria provided, single submitter. Criteria: Invitae Variant Classification Sherloc (09022015). Collection method: clinical testing. Allele origin: germline.

Dasa
Classification: Likely benign. Last evaluated: 2025-12-01. Review status: criteria provided, single submitter. Criteria: DASA Assertion Criteria. Collection method: clinical testing. Allele origin: germline.
Comment: NM_032043.3(BRIP1):c.890A>G (p.Lys297Arg) is interpreted based on available population and clinical evidence, including population frequency and no convincing observation in affected individuals. Based on the available data, this variant is classified as likely benign.

Laboratorio de I+D, Fundación Centro Médico de Asturias
Classification: Benign for Hereditary cancer-predisposing syndrome. Last evaluated: 2025-07-09. Review status: criteria provided, single submitter. Criteria: ACMG Guidelines, 2015. Collection method: clinical testing. Allele origin: germline.
Comment: BS1+BS2+BP4_Strong+BP1

Center for Genomic Medicine, Rigshospitalet, Copenhagen University Hospital
Classification: Likely benign. Last evaluated: 2025-03-04. Review status: criteria provided, single submitter. Criteria: ACMG Guidelines, 2015. Collection method: clinical testing. Allele origin: germline.

ARUP Laboratories, Molecular Genetics and Genomics, ARUP Laboratories
Classification: Likely benign. Last evaluated: 2024-12-27. Review status: criteria provided, single submitter. Criteria: ARUP Molecular Germline Variant Investigation Process 2024. Collection method: clinical testing. Allele origin: germline.

Blueprint Genetics
Classification: Likely benign. Last evaluated: 2024-11-25. Review status: criteria provided, single submitter. Criteria: ACMG Guidelines, 2015. Collection method: clinical testing. Allele origin: germline.

Myriad Genetics, Inc.
Classification: Likely benign for Familial cancer of breast. Last evaluated: 2024-08-22. Review status: criteria provided, single submitter. Criteria: Myriad Autosomal Dominant, Autosomal Recessive and X-Linked Classification Criteria (2023). Collection method: clinical testing. Allele origin: unknown.
Comment: This variant is considered likely benign. Homozygosity for this variant has been confirmed in one or more individuals lacking clinical features consistent with gene-specific recessive disease, indicating that this variant is unlikely to be pathogenic.

Quest Diagnostics Nichols Institute San Juan Capistrano
Classification: Benign. Last evaluated: 2023-09-05. Review status: criteria provided, single submitter. Criteria: Quest Diagnostics criteria. Collection method: clinical testing. Allele origin: unknown.

CHEO Genetics Diagnostic Laboratory, Children's Hospital of Eastern Ontario
Classification: Likely benign for Breast and/or ovarian cancer. Last evaluated: 2023-02-07. Review status: criteria provided, single submitter. Criteria: ACMG Guidelines, 2015. Collection method: clinical testing. Allele origin: germline.

Institute for Clinical Genetics, University Hospital TU Dresden, University Hospital TU Dresden
Classification: Likely benign. Last evaluated: 2021-11-03. Review status: criteria provided, single submitter. Criteria: ACMG Guidelines, 2015. Collection method: clinical testing. Allele origin: germline.

Sema4
Classification: Likely benign for Hereditary cancer-predisposing syndrome. Last evaluated: 2021-02-01. Review status: criteria provided, single submitter. Criteria: Sema4 Curation Guidelines. Collection method: curation. Allele origin: germline.

Baylor Genetics
Classification: Uncertain significance for Fanconi anemia complementation group J. Last evaluated: 2020-09-18. Review status: criteria provided, single submitter. Criteria: ACMG Guidelines, 2015. Collection method: clinical testing. Allele origin: unknown. Affected: yes. Study: CSER-TexasKidsCanSeq.
Comment: This variant was determined to be of uncertain significance according to ACMG Guidelines, 2015 [PMID:25741868].

Genetics and Molecular Pathology, SA Pathology
Classification: Likely benign for Familial cancer of breast. Last evaluated: 2020-06-10. Review status: criteria provided, single submitter. Criteria: ACMG Guidelines, 2015. Collection method: clinical testing. Allele origin: germline. Affected: yes.

Mendelics
Classification: Likely benign for Familial cancer of breast. Last evaluated: 2019-05-28. Review status: criteria provided, single submitter. Criteria: Mendelics Assertion Criteria 2017. Collection method: clinical testing. Allele origin: unknown.

GeneDx
Classification: Likely benign. Last evaluated: 2017-12-14. Review status: criteria provided, single submitter. Criteria: GeneDx Variant Classification (06012015). Collection method: clinical testing. Allele origin: germline. Affected: yes.
Comment: This variant is considered likely benign or benign based on one or more of the following criteria: it is a conservative change, it occurs at a poorly conserved position in the protein, it is predicted to be benign by multiple in silico algorithms, and/or has population frequency not consistent with disease.

Illumina Laboratory Services, Illumina
Classification: Uncertain significance for Fanconi anemia complementation group J. Last evaluated: 2017-04-27. Review status: criteria provided, single submitter. Criteria: ICSL Variant Classification Criteria 13 December 2019. Collection method: clinical testing. Allele origin: germline.
Comment: This variant was observed as part of a predisposition screen in an ostensibly healthy population. A literature search was performed for the gene, cDNA change, and amino acid change (where applicable). Publications were found based on this search. However, the evidence from the literature, in combination with allele frequency data from public databases where available, was not sufficient to rule this variant in or out of causing disease. Therefore, this variant is classified as a variant of unknown significance.

Institute for Biomarker Research, Medical Diagnostic Laboratories, L.L.C.
Classification: Likely benign for Hereditary cancer-predisposing syndrome. Last evaluated: 2017-02-14. Review status: criteria provided, single submitter. Criteria: ACMG Guidelines, 2015. Collection method: clinical testing. Allele origin: germline.

Genetic Services Laboratory, University of Chicago
Classification: Likely benign. Last evaluated: 2016-01-13. Review status: criteria provided, single submitter. Criteria: ACMG Guidelines, 2015. Collection method: clinical testing. Allele origin: germline. Affected: no.

Women's Health and Genetics/Laboratory Corporation of America, LabCorp
Classification: Benign. Last evaluated: 2016-01-04. Review status: criteria provided, single submitter. Criteria: LabCorp Variant Classification Summary - May 2015. Collection method: clinical testing. Allele origin: germline.

Color Diagnostics, LLC DBA Color Health
Classification: Likely benign for Hereditary cancer-predisposing syndrome. Last evaluated: 2015-02-11. Review status: criteria provided, single submitter. Criteria: ACMG Guidelines, 2015. Collection method: clinical testing. Allele origin: germline.

Ambry Genetics
Classification: Benign for Hereditary cancer-predisposing syndrome. Last evaluated: 2014-06-24. Review status: criteria provided, single submitter. Criteria: Ambry Variant Classification Scheme 2023. Collection method: clinical testing. Allele origin: germline.

PreventionGenetics, part of Exact Sciences
Classification: Likely benign for BRIP1-related condition. Last evaluated: 2024-06-03. Review status: no assertion criteria provided. Collection method: clinical testing. Allele origin: germline. Not counted in ClinVar's aggregate classification.
Comment: This variant is classified as likely benign based on ACMG/AMP sequence variant interpretation guidelines (Richards et al. 2015 PMID: 25741868, with internal and published modifications).

Counsyl
Classification: Likely benign for Fanconi anemia complementation group J. Last evaluated: 2016-08-12. Review status: no assertion criteria provided. Collection method: clinical testing. Allele origin: unknown. Not counted in ClinVar's aggregate classification.

Counsyl
Classification: Likely benign for Ovarian cancer. Last evaluated: 2016-08-12. Review status: no assertion criteria provided. Collection method: clinical testing. Allele origin: unknown. Not counted in ClinVar's aggregate classification.

NM_032043.3(BRIP1):c.890A>G (p.Lys297Arg)

Gene: BRIP1 (BRCA1 interacting DNA helicase 1; minus strand). Cytogenetic location: 17q23.2.
Variant type: single nucleotide variant.
Coding change: c.890A>G on transcript NM_032043.3 (MANE Select); coding-DNA position 890, A replaced by G.
Protein change: p.Lys297Arg; replaces lysine 297 with arginine.
Molecular consequence: missense variant.
Genome position (GRCh38, 1-based): chr17:61,808,495, T>C on the plus strand (A>G on the coding strand, the complement: BRIP1 is on the minus strand). VCF-style: chr17-61808495-T-C. GRCh37 (hg19) VCF-style: chr17-59885856-T-C.
Other names: p.K297R:AAG>AGG; short protein forms K297R.
Identifiers: ClinVar variation 128198 (VCV000128198.67), dbSNP rs28997570, ClinGen allele CA151532.